The following is an entry in ClinVar:

ClinVar aggregate classification (germline): Likely benign. Review status: criteria provided, multiple submitters, no conflicts (2 of 4 stars). 2 submissions from 2 submitters: Likely benign (2). Last evaluated 2025-12-01.

Allele frequency attached by ClinVar (database versions not stated): 1000 Genomes Project 30x 0.00016; 1000 Genomes Project 0.00020; ExAC 0.00033; gnomAD exomes 0.00040 and 0.00058; TOPMed 0.00045; gnomAD 0.00049; ESP Exome Variant Server 0.00096.
gnomAD v4.1: 911 of 1,612,858 alleles (0.056%); highest among the groups gnomAD compares: Non-Finnish European, 0.07%; no homozygotes.

Submissions (2):

CeGaT Center for Human Genetics Tuebingen
Classification: Likely benign. Last evaluated: 2025-12-01. Review status: criteria provided, single submitter. Criteria: CeGaT Center For Human Genetics Tuebingen Variant Classification Criteria Version 2. Collection method: clinical testing. Allele origin: germline. Affected: yes. Observed: 7 variant alleles.
Comment: HIVEP2: BP4, BP7

Labcorp Genetics (formerly Invitae), Labcorp
Classification: Likely benign. Last evaluated: 2025-11-11. Review status: criteria provided, single submitter. Criteria: Invitae Variant Classification Sherloc (09022015). Collection method: clinical testing. Allele origin: germline.

NM_006734.4(HIVEP2):c.5694C>T (p.Ser1898=)

Gene: HIVEP2 (HIVEP zinc finger 2; minus strand). Cytogenetic location: 6q24.2.
Variant type: single nucleotide variant.
Coding change: c.5694C>T on transcript NM_006734.4 (MANE Select); coding-DNA position 5694, C replaced by T.
Protein change: p.Ser1898=; no amino-acid change (serine 1898 retained).
Molecular consequence: synonymous variant.
Genome position (GRCh38, 1-based): chr6:142,760,594, G>A on the plus strand (C>T on the coding strand, the complement: HIVEP2 is on the minus strand). VCF-style: chr6-142760594-G-A. GRCh37 (hg19) VCF-style: chr6-143081731-G-A.
Identifiers: ClinVar variation 747830 (VCV000747830.32), dbSNP rs373436281, ClinGen allele CA4027815.